The following is an entry in ClinVar:

NM_004369.4(COL6A3):c.2600A>T (p.Asn867Ile)

Gene: COL6A3 (collagen type VI alpha 3 chain; minus strand). Cytogenetic location: 2q37.3.
Variant type: single nucleotide variant.
Coding change: c.2600A>T on transcript NM_004369.4 (MANE Select); coding-DNA position 2600, A replaced by T.
Protein change: p.Asn867Ile; replaces asparagine 867 with isoleucine.
Molecular consequence: missense variant.
Genome position (GRCh38, 1-based): chr2:237,377,242, T>A on the plus strand (A>T on the coding strand, the complement: COL6A3 is on the minus strand). VCF-style: chr2-237377242-T-A. GRCh37 (hg19) VCF-style: chr2-238285885-T-A.
Other names: c.1379A>T, p.Asn460Ile (NM_057164.5); c.1982A>T, p.Asn661Ile (NM_057165.5, NM_057167.4); c.779A>T, p.Asn260Ile (NM_057166.5); short protein forms N867I, N260I, N460I, N661I.
Identifiers: ClinVar variation 498946 (VCV000498946.14), dbSNP rs751459281, ClinGen allele CA2189364.

ClinVar aggregate classification (germline): Conflicting classifications of pathogenicity. Review status: criteria provided, conflicting classifications (1 of 4 stars). 3 submissions from 3 submitters: Uncertain significance (2); Likely benign (1). Last evaluated 2024-04-29.

Conditions:
Bethlem myopathy 1A. Also called: Bethlem Muscular Dystrophy; MYOPATHY, BENIGN CONGENITAL, WITH CONTRACTURES; Bethlem myopathy 1. Identifiers: Orphanet 610, MedGen CN029274, MONDO:0024530, OMIM 158810.

Allele frequency attached by ClinVar (database versions not stated): TOPMed 0.00007; gnomAD exomes 0.00008; ExAC 0.00012.
gnomAD v4.1: 24 of 1,612,110 alleles (0.0015%); highest among the groups gnomAD compares: Admixed American, 0.033%; no homozygotes.

Submissions (3):

Women's Health and Genetics/Laboratory Corporation of America, LabCorp
Classification: Uncertain significance. Last evaluated: 2024-04-29. Review status: criteria provided, single submitter. Criteria: LabCorp Variant Classification Summary - May 2015. Collection method: clinical testing. Allele origin: germline.
Comment: Variant summary: COL6A3 c.2600A>T (p.Asn867Ile) results in a non-conservative amino acid change located in the 5th von Willebrand factor type A (VWA) domain (IPR002035) of the encoded protein sequence. Four of five in-silico tools predict a damaging effect of the variant on protein function. The variant allele was found at a frequency of 8e-05 in 249496 control chromosomes (i.e. in 20 carriers; gnomAD v2.1 dataset). The occurrences in several carriers suggest that this variant is likely not associated with a high penetrance, severe, early onset disease phenotype in heterozygous state, but allow no clear conclusions about variant significance in biallelic context. c.2600A>T has been reported in the literature in heterozygous state in an individual with suspected limb-girdle muscular dystrophy (Nallamilli_2018), however no supportive evidence was provided for causality. These report(s) do not provide unequivocal conclusions about association of the variant with Ullrich Congenital Muscular Dystrophy 1. To our knowledge, no experimental evidence demonstrating an impact on protein function has been reported. The following publication has been ascertained in the context of this evaluation (PMID: 30564623). ClinVar contains an entry for this variant (Variation ID: 498946). Based on the evidence outlined above, the variant was classified as uncertain significance.

Labcorp Genetics (formerly Invitae), Labcorp
Classification: Likely benign for Bethlem myopathy 1A. Last evaluated: 2022-12-06. Review status: criteria provided, single submitter. Criteria: Invitae Variant Classification Sherloc (09022015). Collection method: clinical testing. Allele origin: germline.

Eurofins Ntd Llc (ga)
Classification: Uncertain significance. Last evaluated: 2016-12-06. Review status: criteria provided, single submitter. Criteria: EGL Classification Definitions 2015. Collection method: clinical testing. Allele origin: germline. Observed: 1 variant allele, 1 heterozygote.

Literature cited by the submitters: PubMed 30564623 (cited by Women's Health and Genetics/Laboratory Corporation of America, LabCorp).